The following is an entry in ClinVar:

NM_000428.3(LTBP2):c.608G>A (p.Arg203His)

Gene: LTBP2 (latent transforming growth factor beta binding protein 2; minus strand). Cytogenetic location: 14q24.3.
Variant type: single nucleotide variant.
Coding change: c.608G>A on transcript NM_000428.3 (MANE Select); coding-DNA position 608, G replaced by A.
Protein change: p.Arg203His; replaces arginine 203 with histidine.
Molecular consequence: missense variant.
Genome position (GRCh38, 1-based): chr14:74,586,076, C>T on the plus strand (G>A on the coding strand, the complement: LTBP2 is on the minus strand). VCF-style: chr14-74586076-C-T. GRCh37 (hg19) VCF-style: chr14-75052779-C-T.
Other names: short protein forms R203H.
Identifiers: ClinVar variation 4540042 (VCV004540042.1).

ClinVar aggregate classification (germline): Uncertain significance (1 of 4 stars; one submission).

gnomAD v4.1: 19 of 1,600,214 alleles (0.0012%); highest among the groups gnomAD compares: African/African-American, 0.004%; no homozygotes.

Submission:

GeneDx
Classification: Uncertain significance. Last evaluated: 2025-06-22. Review status: criteria provided, single submitter. Criteria: GeneDx Variant Classification Process June 2021. Collection method: clinical testing. Allele origin: germline. Affected: yes.
Comment: In silico analysis suggests that this missense variant does not alter protein structure/function; Has not been previously published as pathogenic or benign to our knowledge